The following is an entry in ClinVar:

NM_001164508.2(NEB):c.11967A>G (p.Ala3989=)

Gene: NEB (nebulin; minus strand). Cytogenetic location: 2q23.3.
Variant type: single nucleotide variant.
Coding change: c.11967A>G on transcript NM_001164508.2 (MANE Select); coding-DNA position 11967, A replaced by G.
Protein change: p.Ala3989=; no amino-acid change (alanine 3989 retained).
Molecular consequence: synonymous variant.
Genome position (GRCh38, 1-based): chr2:151,610,567, T>C on the plus strand (A>G on the coding strand, the complement: NEB is on the minus strand). VCF-style: chr2-151610567-T-C. GRCh37 (hg19) VCF-style: chr2-152467081-T-C.
Other names: c.11967A>G, p.Ala3989= (NM_001164507.2, NM_001271208.2); c.11238A>G, p.Ala3746= (NM_004543.5).
Identifiers: ClinVar variation 1090166 (VCV001090166.25), dbSNP rs770739649, ClinGen allele CA1908621.
Genomic context (GRCh38, chr2:151,610,567, plus strand): 5'-GGTACTCACGTCACTGGCGATGTCCCTGGAGGCCTTGGCACTTTTGATGGAAATAGCATC[T>C]GCTCTCAGATCATAGTCCTTCATCTTTGATTCATCCCATCCCTTGGTGTAAAGTTTCTAG-3'
Protein context (NP_001157980.2, residues 3979-3999): ESKMKDYDLR[Ala3989=]DAISIKSAKA

ClinVar aggregate classification (germline): Likely benign. Review status: criteria provided, multiple submitters, no conflicts (2 of 4 stars). 2 submissions from 2 submitters: Likely benign (2). Last evaluated 2025-09-07.

Conditions:
Nemaline myopathy 2 (NEM2). Also called: Nemaline myopathy 2, autosomal recessive. Identifiers: MedGen C1850569, MONDO:0009725, OMIM 256030.

Allele frequency attached by ClinVar (database versions not stated): gnomAD exomes below 0.00001 and 0.00001; TOPMed below 0.00001; ExAC 0.00001.

Submissions (2):

Labcorp Genetics (formerly Invitae), Labcorp
Classification: Likely benign for Nemaline myopathy 2. Last evaluated: 2025-09-07. Review status: criteria provided, single submitter. Criteria: Invitae Variant Classification Sherloc (09022015). Collection method: clinical testing. Allele origin: germline.

CeGaT Center for Human Genetics Tuebingen
Classification: Likely benign. Last evaluated: 2024-08-01. Review status: criteria provided, single submitter. Criteria: CeGaT Center For Human Genetics Tuebingen Variant Classification Criteria Version 2. Collection method: clinical testing. Allele origin: germline. Affected: yes. Observed: 1 variant allele.
Comment: NEB: BP4, BP7